The following is an entry in ClinVar:

NM_000052.7(ATP7A):c.1972C>G (p.Leu658Val)

Gene: ATP7A (ATPase copper transporting alpha; plus strand). Cytogenetic location: Xq21.1.
Variant type: single nucleotide variant.
Coding change: c.1972C>G on transcript NM_000052.7 (MANE Select); coding-DNA position 1972, C replaced by G.
Protein change: p.Leu658Val; replaces leucine 658 with valine.
Molecular consequence: missense variant.
Genome position (GRCh38, 1-based): chrX:78,011,474, C>G. VCF-style: chrX-78011474-C-G. GRCh37 (hg19) VCF-style: chrX-77266971-C-G.
Other names: c.1972C>G, p.Leu658Val (NM_001282224.2); short protein forms L658V.
Identifiers: ClinVar variation 1719771 (VCV001719771.6), dbSNP rs782333354, ClinGen allele CA413598123.
Genomic context (GRCh38, chrX:78,011,474, plus strand): 5'-CCATGATTTTTCTTTTTTTATTTTTTCCATATAAGATGGAGACGGTCTTTTCTTGTGAGT[C>G]TGTTTTTCTGTATTCCTGTAATGGGGCTGATGATATATATGATGGTTATGGACCACCACT-3'
Protein context (NP_000043.4, residues 648-668): RQWRRSFLVS[Leu658Val]FFCIPVMGLM

ClinVar aggregate classification (germline): Uncertain significance (1 of 4 stars; one submission).

Conditions:
X-linked distal spinal muscular atrophy type 3. Also called: SPINAL MUSCULAR ATROPHY, DISTAL, X-LINKED RECESSIVE; NEURONOPATHY, DISTAL HEREDITARY MOTOR, X-LINKED; NEUROPATHY, DISTAL HEREDITARY MOTOR, X-LINKED; ATP7A-Related Distal Motor Neuropathy. Identifiers: Orphanet 139557, MedGen C1845359, MONDO:0010338, OMIM 300489.
Menkes kinky-hair syndrome (MNK). Also called: Copper transport disease; Classic Menkes Disease; Menkes Disease. Identifiers: Orphanet 565, MedGen C0022716, MONDO:0010651, OMIM 309400.
Cutis laxa, X-linked (OHS). Also called: EDS IX; Occipital horn syndrome. Identifiers: Orphanet 198, MedGen C0268353, MONDO:0010572, OMIM 304150.

Submission:

Labcorp Genetics (formerly Invitae), Labcorp
Classification: Uncertain significance for X-linked distal spinal muscular atrophy type 3; Cutis laxa, X-linked; Menkes kinky-hair syndrome. Last evaluated: 2022-09-27. Review status: criteria provided, single submitter. Criteria: Invitae Variant Classification Sherloc (09022015). Collection method: clinical testing. Allele origin: germline.
Comment: In summary, the available evidence is currently insufficient to determine the role of this variant in disease. Therefore, it has been classified as a Variant of Uncertain Significance. This sequence change replaces leucine, which is neutral and non-polar, with valine, which is neutral and non-polar, at codon 658 of the ATP7A protein (p.Leu658Val). Advanced modeling of protein sequence and biophysical properties (such as structural, functional, and spatial information, amino acid conservation, physicochemical variation, residue mobility, and thermodynamic stability) performed at Invitae indicates that this missense variant is not expected to disrupt ATP7A protein function. This variant has not been reported in the literature in individuals affected with ATP7A-related conditions. This variant is not present in population databases (gnomAD no frequency).